The following is an entry in ClinVar:

NM_033641.4(COL4A6):c.323C>T (p.Pro108Leu)

Gene: COL4A6 (collagen type IV alpha 6 chain; minus strand). Cytogenetic location: Xq22.3.
Variant type: single nucleotide variant.
Coding change: c.323C>T on transcript NM_033641.4 (MANE Select); coding-DNA position 323, C replaced by T.
Protein change: p.Pro108Leu; replaces proline 108 with leucine.
Molecular consequence: missense variant.
Genome position (GRCh38, 1-based): chrX:108,219,699, G>A on the plus strand (C>T on the coding strand, the complement: COL4A6 is on the minus strand). VCF-style: chrX-108219699-G-A. GRCh37 (hg19) VCF-style: chrX-107462929-G-A.
Other names: p.Pro109Leu; c.323C>T, p.Pro108Leu (NM_001287758.2, NM_001287759.2, NM_001287760.2); c.326C>T, p.Pro109Leu (NM_001847.4); short protein forms P108L, P109L.
Identifiers: ClinVar variation 513399 (VCV000513399.15), dbSNP rs139802816, ClinGen allele CA10488201.

ClinVar aggregate classification (germline): Benign/Likely benign. Review status: criteria provided, multiple submitters, no conflicts (2 of 4 stars). 6 submissions from 6 submitters: Benign (5); Likely benign (1). Last evaluated 2026-01-28.

Conditions:
Hearing loss, X-linked 6. Also called: Deafness, X-linked 6. Identifiers: Orphanet 90625, MedGen C3806737, MONDO:0010484, OMIM 300914.

Allele frequency attached by ClinVar (database versions not stated): gnomAD exomes 0.00370; ExAC 0.00418; 1000 Genomes Project 0.00583; 1000 Genomes Project 30x 0.00624; ESP Exome Variant Server 0.00644; TOPMed 0.00657; gnomAD 0.00672 and 0.00690.

Submissions (6):

Labcorp Genetics (formerly Invitae), Labcorp
Classification: Benign. Last evaluated: 2026-01-28. Review status: criteria provided, single submitter. Criteria: Invitae Variant Classification Sherloc (09022015). Collection method: clinical testing. Allele origin: germline.

Mayo Clinic Laboratories, Mayo Clinic
Classification: Likely benign. Last evaluated: 2025-09-24. Review status: criteria provided, single submitter. Criteria: ACMG Guidelines, 2015. Collection method: clinical testing. Allele origin: germline. Observed: 2 variant alleles.
Comment: BS1

Blueprint Genetics
Classification: Benign. Last evaluated: 2024-11-28. Review status: criteria provided, single submitter. Criteria: ACMG Guidelines, 2015. Collection method: clinical testing. Allele origin: germline.

Genome-Nilou Lab
Classification: Benign for Hearing loss, X-linked 6. Last evaluated: 2022-03-15. Review status: criteria provided, single submitter. Criteria: ACMG Guidelines, 2015. Collection method: clinical testing. Allele origin: germline. Affected: no.

GeneDx
Classification: Benign. Last evaluated: 2017-11-30. Review status: criteria provided, single submitter. Criteria: GeneDx Variant Classification (06012015). Collection method: clinical testing. Allele origin: germline. Affected: yes.
Comment: This variant is considered likely benign or benign based on one or more of the following criteria: it is a conservative change, it occurs at a poorly conserved position in the protein, it is predicted to be benign by multiple in silico algorithms, and/or has population frequency not consistent with disease.

Breakthrough Genomics
Classification: Benign. Review status: criteria provided, single submitter. Criteria: ACMG Guidelines, 2015. Collection method: not provided. Allele origin: germline. Inheritance: X-linked inheritance. Affected: yes.

Literature cited by the submitters: PubMed 30467950 (cited by Mayo Clinic Laboratories, Mayo Clinic).